The following is an entry in ClinVar:

NM_001040142.2(SCN2A):c.1156T>C (p.Trp386Arg)

Gene: SCN2A (sodium voltage-gated channel alpha subunit 2; plus strand). Cytogenetic location: 2q24.3.
Variant type: single nucleotide variant.
Coding change: c.1156T>C on transcript NM_001040142.2 (MANE Select); coding-DNA position 1156, T replaced by C.
Protein change: p.Trp386Arg; replaces tryptophan 386 with arginine.
Molecular consequence: missense variant.
Genome position (GRCh38, 1-based): chr2:165,313,741, T>C. VCF-style: chr2-165313741-T-C. GRCh37 (hg19) VCF-style: chr2-166170251-T-C.
Other names: c.1156T>C, p.Trp386Arg (NM_001040143.2, NM_001371246.1, NM_001371247.1 and 1 more transcripts); c.1156T>C (NM_021007.2); short protein forms W386R.
Identifiers: ClinVar variation 2503817 (VCV002503817.5), dbSNP rs2467901507, ClinGen allele CA349021207.
Genomic context (GRCh38, chr2:165,313,741, plus strand): 5'-AGCTTTGACACCTTTAGTTGGGCCTTTTTGTCCTTATTTCGTCTCATGACTCAAGACTTC[T>C]GGGAAAACCTTTATCAACTGGTGAGAACAGATAAAATCATTTTTCTGAGAATCATAAAAC-3'
Protein context (NP_001035232.1, residues 376-396): SLFRLMTQDF[Trp386Arg]ENLYQLTLRA

ClinVar aggregate classification (germline): Uncertain significance. Review status: criteria provided, multiple submitters, no conflicts (2 of 4 stars). 3 submissions from 3 submitters: Uncertain significance (2). 1 of the submissions does not count toward it. Last evaluated 2023-04-25.

Conditions:
Developmental and epileptic encephalopathy, 11 (DEE11). Also called: Early infantile epileptic encephalopathy 11. Identifiers: Orphanet 1934, MedGen C3150987, MONDO:0013388, OMIM 613721.
Seizures, benign familial infantile, 3 (BFIS3). Also called: Familial neonatal seizures; CONVULSIONS, BENIGN FAMILIAL INFANTILE, 3. Identifiers: Orphanet 140927, Orphanet 306, MedGen C1843140, MONDO:0011904, OMIM 607745.
SCN2A-related disorder. Also called: SCN2A-related condition; SCN2A-related disorders. Identifiers: MedGen CN382226, MONDO:1060245.

Submissions (3):

Labcorp Genetics (formerly Invitae), Labcorp
Classification: Uncertain significance for Seizures, benign familial infantile, 3; Developmental and epileptic encephalopathy, 11. Last evaluated: 2023-04-25. Review status: criteria provided, single submitter. Criteria: Invitae Variant Classification Sherloc (09022015). Collection method: clinical testing. Allele origin: germline.
Comment: Advanced modeling of protein sequence and biophysical properties (such as structural, functional, and spatial information, amino acid conservation, physicochemical variation, residue mobility, and thermodynamic stability) performed at Invitae indicates that this missense variant is expected to disrupt SCN2A protein function. In summary, the available evidence is currently insufficient to determine the role of this variant in disease. Therefore, it has been classified as a Variant of Uncertain Significance. This variant has not been reported in the literature in individuals affected with SCN2A-related conditions. This variant is not present in population databases (gnomAD no frequency). This sequence change replaces tryptophan, which is neutral and slightly polar, with arginine, which is basic and polar, at codon 386 of the SCN2A protein (p.Trp386Arg).

Women's Health and Genetics/Laboratory Corporation of America, LabCorp
Classification: Uncertain significance. Last evaluated: 2023-04-04. Review status: criteria provided, single submitter. Criteria: LabCorp Variant Classification Summary - May 2015. Collection method: clinical testing. Allele origin: germline.
Comment: Variant summary: SCN2A c.1156T>C (p.Trp386Arg) results in a non-conservative amino acid change located in the Ion transport domain (IPR005821) of the encoded protein sequence. Five of five in-silico tools predict a damaging effect of the variant on protein function. The variant was absent in 251216 control chromosomes (gnomAD). The available data on variant occurrences in the general population are insufficient to allow any conclusion about variant significance. To our knowledge, no occurrence of c.1156T>C in individuals affected with Early Infantile Epileptic Encephalopathy 11 and no experimental evidence demonstrating its impact on protein function have been reported. No clinical diagnostic laboratories have submitted clinical-significance assessments for this variant to ClinVar after 2014. Based on the evidence outlined above, the variant was classified as uncertain significance.

PreventionGenetics, part of Exact Sciences
Classification: Uncertain significance for SCN2A-related condition. Last evaluated: 2024-08-08. Review status: no assertion criteria provided. Collection method: clinical testing. Allele origin: germline. Not counted in ClinVar's aggregate classification.
Comment: The SCN2A c.1156T>C variant is predicted to result in the amino acid substitution p.Trp386Arg. To our knowledge, this variant has not been reported in the literature or in a large population database, indicating this variant is rare. At this time, the clinical significance of this variant is uncertain due to the absence of conclusive functional and genetic evidence.